The following is an entry in ClinVar:

ClinVar aggregate classification (germline): Uncertain significance. Review status: criteria provided, multiple submitters, no conflicts (2 of 4 stars). 2 submissions from 2 submitters: Uncertain significance (2). Last evaluated 2025-10-21.

Conditions:
NPHP1-related disorder. Also called: NPHP1-related condition; NPHP1-related disorders.
Nephronophthisis. Also called: Juvenile Nephronophthisis. Identifiers: Orphanet 655, MedGen C0687120, MONDO:0019005, HP:0000090.

Allele frequency attached by ClinVar (database versions not stated): ExAC 0.00001; gnomAD 0.00001; TOPMed 0.00001; gnomAD exomes 0.00002.
gnomAD v4.1: 34 of 1,613,770 alleles (0.0021%); highest among the groups gnomAD compares: Non-Finnish European, 0.0029%; no homozygotes.

Submissions (2):

PreventionGenetics, part of Exact Sciences
Classification: Uncertain significance for NPHP1-related condition. Last evaluated: 2025-10-21. Review status: criteria provided, single submitter. Criteria: ACMG Guidelines, 2015. Collection method: clinical testing. Allele origin: germline.
Comment: The NPHP1 c.1267C>T variant is predicted to result in the amino acid substitution p.His423Tyr. To our knowledge, this variant has not been reported in the literature. This variant is reported in 0.0023% of alleles in individuals of European (Non-Finnish) descent in gnomAD. At this time, the clinical significance of this variant is uncertain due to the absence of conclusive functional and genetic evidence.

Labcorp Genetics (formerly Invitae), Labcorp
Classification: Uncertain significance for Nephronophthisis. Last evaluated: 2021-12-21. Review status: criteria provided, single submitter. Criteria: Invitae Variant Classification Sherloc (09022015). Collection method: clinical testing. Allele origin: germline.
Comment: This sequence change replaces histidine, which is basic and polar, with tyrosine, which is neutral and polar, at codon 423 of the NPHP1 protein (p.His423Tyr). This variant is present in population databases (rs747685978, gnomAD 0.002%). This variant has not been reported in the literature in individuals affected with NPHP1-related conditions. Algorithms developed to predict the effect of missense changes on protein structure and function (SIFT, PolyPhen-2, Align-GVGD) all suggest that this variant is likely to be disruptive. In summary, the available evidence is currently insufficient to determine the role of this variant in disease. Therefore, it has been classified as a Variant of Uncertain Significance.

NM_001128178.3(NPHP1):c.1099C>T (p.His367Tyr)

Genes: NPHP1 (nephrocystin 1; minus strand), LOC126806306 (P300/CBP strongly-dependent group 1 enhancer GRCh37_chr2:110906815-110908014; plus strand). Cytogenetic location: 2q13.
Variant type: single nucleotide variant.
Coding change: c.1099C>T on transcript NM_001128178.3 (MANE Select); coding-DNA position 1099, C replaced by T.
Protein change: p.His367Tyr; replaces histidine 367 with tyrosine.
Molecular consequence: missense variant.
Genome position (GRCh38, 1-based): chr2:110,150,241, G>A on the plus strand (C>T on the coding strand, the complement: NPHP1 is on the minus strand). VCF-style: chr2-110150241-G-A. GRCh37 (hg19) VCF-style: chr2-110907818-G-A.
Other names: c.1267C>T, p.His423Tyr (NM_000272.5); c.910C>T, p.His304Tyr (NM_001128179.3); c.1096C>T, p.His366Tyr (NM_001374256.1); c.1099C>T, p.His367Tyr (NM_001374257.1); c.1264C>T, p.His422Tyr (NM_207181.4); c.1267C>T (NM_000272.3); short protein forms H422Y, H423Y, H304Y, H367Y, H366Y.
Identifiers: ClinVar variation 2198414 (VCV002198414.2), dbSNP rs747685978, ClinGen allele CA1827126.